The following is an entry in ClinVar:

NM_001083116.3(PRF1):c.319A>C (p.Thr107Pro)

Gene: PRF1 (perforin 1; minus strand). Cytogenetic location: 10q22.1.
Variant type: single nucleotide variant.
Coding change: c.319A>C on transcript NM_001083116.3 (MANE Select); coding-DNA position 319, A replaced by C.
Protein change: p.Thr107Pro; replaces threonine 107 with proline.
Molecular consequence: missense variant.
Genome position (GRCh38, 1-based): chr10:70,600,584, T>G on the plus strand (A>C on the coding strand, the complement: PRF1 is on the minus strand). VCF-style: chr10-70600584-T-G. GRCh37 (hg19) VCF-style: chr10-72360340-T-G.
Other names: c.319A>C, p.Thr107Pro (NM_005041.6); short protein forms T107P.
Identifiers: ClinVar variation 2886775 (VCV002886775.1), dbSNP rs2493487431, ClinGen allele CA376959657.
Genomic context (GRCh38, chr10:70,600,584, plus strand): 5'-TGCGGATGCTACGAGCCGCATCCCGGGCCACAGCTTCAGTGGAGCTGACTTTGGCCCTGG[T>G]TACATGGCGCTGGCAGCCAGAGCCCTGGGCCCGCCAGTTGGTGAGCGCCAGAGGCAGGCG-3'
Protein context (NP_001076585.1, residues 97-117): AQGSGCQRHV[Thr107Pro]RAKVSSTEAV

ClinVar aggregate classification (germline): Uncertain significance (1 of 4 stars; one submission).

Conditions:
Familial hemophagocytic lymphohistiocytosis 2 (FHL2). Also called: PRF1-Related Familial Hemophagocytic Lymphohistiocytosis (PRF1-fHLH). Identifiers: Orphanet 540, MedGen C1863727, MONDO:0011337, OMIM 603553.

Submission:

Labcorp Genetics (formerly Invitae), Labcorp
Classification: Uncertain significance for Familial hemophagocytic lymphohistiocytosis 2. Last evaluated: 2023-01-26. Review status: criteria provided, single submitter. Criteria: Invitae Variant Classification Sherloc (09022015). Collection method: clinical testing. Allele origin: germline.
Comment: This sequence change replaces threonine, which is neutral and polar, with proline, which is neutral and non-polar, at codon 107 of the PRF1 protein (p.Thr107Pro). In summary, the available evidence is currently insufficient to determine the role of this variant in disease. Therefore, it has been classified as a Variant of Uncertain Significance. Algorithms developed to predict the effect of missense changes on protein structure and function (SIFT, PolyPhen-2, Align-GVGD) all suggest that this variant is likely to be tolerated. This variant has not been reported in the literature in individuals affected with PRF1-related conditions. This variant is not present in population databases (gnomAD no frequency).